The following is an entry in ClinVar:

ClinVar aggregate classification (germline): Likely pathogenic (1 of 4 stars; one submission).

Conditions:
ANK1-related disorder. Also called: ANK1-related condition.

Submission:

PreventionGenetics, part of Exact Sciences
Classification: Likely pathogenic for ANK1-related condition. Last evaluated: 2022-12-20. Review status: criteria provided, single submitter. Criteria: ACMG Guidelines, 2015. Collection method: clinical testing. Allele origin: germline.
Comment: The ANK1 c.4104+2T>G variant is predicted to disrupt the GT donor site and interfere with normal splicing. To our knowledge, this variant has not been reported in the literature or in a large population database, indicating this variant is rare. Variants that disrupt the consensus splice donor site in ANK1 are expected to be pathogenic. This variant is interpreted as likely pathogenic.

NM_000037.4(ANK1):c.4104+2T>G

Gene: ANK1 (ankyrin 1; minus strand). Cytogenetic location: 8p11.21.
Variant type: single nucleotide variant.
Coding change: c.4104+2T>G on transcript NM_000037.4 (MANE Select); the canonical splice donor site of the intron after coding-DNA position 4104, T replaced by G.
Molecular consequence: splice donor variant.
Genome position (GRCh38, 1-based): chr8:41,690,225, A>C on the plus strand (T>G on the coding strand, the complement: ANK1 is on the minus strand). VCF-style: chr8-41690225-A-C. GRCh37 (hg19) VCF-style: chr8-41547743-A-C.
Other names: c.4227+2T>G (NM_001142446.2); c.4104+2T>G (NM_020477.3, NM_020475.3, NM_020476.3).
Identifiers: ClinVar variation 2629742 (VCV002629742.1), dbSNP rs2486748129, ClinGen allele CA371057944.